The following is an entry in ClinVar:

NC_000002.11:g.(?_233075026)_(233075125_?)del

Gene: DIS3L2 (DIS3 like 3'-5' exoribonuclease 2; plus strand). Cytogenetic location: 2q37.1.
Variant type: Deletion.
Identifiers: ClinVar variation 2427361 (VCV002427361.4).

ClinVar aggregate classification (germline): Pathogenic (1 of 4 stars; one submission).

Conditions:
Perlman syndrome (PRLMNS). Identifiers: Orphanet 2849, MedGen C0796113, MONDO:0009965, OMIM 267000.

Submission:

Labcorp Genetics (formerly Invitae), Labcorp
Classification: Pathogenic for Perlman syndrome. Last evaluated: 2022-08-07. Review status: criteria provided, single submitter. Criteria: Invitae Variant Classification Sherloc (09022015). Collection method: clinical testing. Allele origin: germline.
Comment: For these reasons, this variant has been classified as Pathogenic. This variant has not been reported in the literature in individuals affected with DIS3L2-related conditions. This variant is a gross deletion of the genomic region encompassing exon(s) 10 of the DIS3L2 gene. This deletion is out-of-frame, and is expected to create a premature termination codon and result in an absent or disrupted protein product. Loss-of-function variants in DIS3L2 are known to be pathogenic (PMID: 22306653, 28328139).

Literature cited by the submitters: PubMed 22306653; PubMed 28328139.